The following is an entry in ClinVar:

ClinVar aggregate classification (germline): Likely pathogenic (1 of 4 stars; one submission).

Allele frequency attached by ClinVar (database versions not stated): TOPMed below 0.00001.

Submission:

GeneDx
Classification: Likely pathogenic. Last evaluated: 2019-11-27. Review status: criteria provided, single submitter. Criteria: GeneDx Variant Classification Process June 2021. Collection method: clinical testing. Allele origin: germline. Affected: yes.
Comment: Canonical splice site variant in a gene for which loss-of-function is a known mechanism of disease; Not observed in large population cohorts (Lek et al., 2016); Has not been previously published as pathogenic or benign to our knowledge

NM_173076.3(ABCA12):c.694-1G>A

Gene: ABCA12 (ATP binding cassette subfamily A member 12; minus strand). Cytogenetic location: 2q35.
Variant type: single nucleotide variant.
Coding change: c.694-1G>A on transcript NM_173076.3 (MANE Select); the canonical splice acceptor site of the intron before coding-DNA position 694, G replaced by A.
Molecular consequence: splice acceptor variant.
Genome position (GRCh38, 1-based): chr2:215,046,016, C>T on the plus strand (G>A on the coding strand, the complement: ABCA12 is on the minus strand). VCF-style: chr2-215046016-C-T. GRCh37 (hg19) VCF-style: chr2-215910740-C-T.
Identifiers: ClinVar variation 1204891 (VCV001204891.3), dbSNP rs1387621695, ClinGen allele CA350453435.